The following is an entry in ClinVar:

ClinVar aggregate classification (germline): Likely benign (1 of 4 stars; one submission).

Allele frequency attached by ClinVar (database versions not stated): gnomAD 0.00749 and 0.00902; TOPMed 0.01252; 1000 Genomes Project 30x 0.02420; 1000 Genomes Project 0.02696.
gnomAD v4.1: 1,364 of 152,316 alleles (0.9%); highest among the groups gnomAD compares: East Asian, 13%; 52 homozygotes.

Submission:

GeneDx
Classification: Likely benign. Last evaluated: 2018-06-20. Review status: criteria provided, single submitter. Criteria: GeneDx Variant Classification (06012015). Collection method: clinical testing. Allele origin: germline. Affected: yes.
Comment: This variant is considered likely benign or benign based on one or more of the following criteria: it is a conservative change, it occurs at a poorly conserved position in the protein, it is predicted to be benign by multiple in silico algorithms, and/or has population frequency not consistent with disease.

NM_004415.4(DSP):c.940-292G>A

Gene: DSP (desmoplakin; plus strand). Cytogenetic location: 6p24.3.
Variant type: single nucleotide variant.
Coding change: c.940-292G>A on transcript NM_004415.4 (MANE Select); 292 bases into the intron before coding-DNA position 940, G replaced by A.
Molecular consequence: intron variant.
Genome position (GRCh38, 1-based): chr6:7,566,085, G>A. VCF-style: chr6-7566085-G-A. GRCh37 (hg19) VCF-style: chr6-7566318-G-A.
Other names: c.940-292G>A (NM_001319034.2, NM_001008844.3).
Identifiers: ClinVar variation 669966 (VCV000669966.1), dbSNP rs76917486, ClinGen allele CA133955062.